The following is an entry in ClinVar:

NM_004036.5(ADCY3):c.2105G>A (p.Arg702His)

Gene: ADCY3 (adenylate cyclase 3; minus strand). Cytogenetic location: 2p23.3.
Variant type: single nucleotide variant.
Coding change: c.2105G>A on transcript NM_004036.5 (MANE Select); coding-DNA position 2105, G replaced by A.
Protein change: p.Arg702His; replaces arginine 702 with histidine.
Molecular consequence: missense variant.
Genome position (GRCh38, 1-based): chr2:24,830,776, C>T on the plus strand (G>A on the coding strand, the complement: ADCY3 is on the minus strand). VCF-style: chr2-24830776-C-T. GRCh37 (hg19) VCF-style: chr2-25053645-C-T.
Other names: c.2105G>A (NM_001320613.1); c.2105G>A, p.Arg702His (NM_001320613.2, NM_001377129.1, NM_001377130.1 and 1 more transcripts); c.2171G>A, p.Arg724His (NM_001377128.1); c.1382G>A, p.Arg461His (NM_001377131.1); short protein forms R461H, R702H, R724H.
Identifiers: ClinVar variation 3494613 (VCV003494613.2).

ClinVar aggregate classification (germline): Uncertain significance. Review status: criteria provided, multiple submitters, no conflicts (2 of 4 stars). 2 submissions from 2 submitters: Uncertain significance (2). Last evaluated 2026-08-20.

Conditions:
Inborn genetic diseases. Identifiers: MedGen C0950123, MeSH D030342.
ADCY3-related disorder. Also called: ADCY3-related condition.

gnomAD v4.1: 4 of 1,613,900 alleles (0.00025%); highest among the groups gnomAD compares: Admixed American, 0.0017%; no homozygotes.

Submissions (2):

PreventionGenetics, part of Exact Sciences
Classification: Uncertain significance for ADCY3-related condition. Last evaluated: 2026-08-20. Review status: criteria provided, single submitter. Criteria: ACMG Guidelines, 2015. Collection method: clinical testing. Allele origin: germline.
Comment: The ADCY3 c.2105G>A variant is predicted to result in the amino acid substitution p.Arg702His. To our knowledge, this variant has not been reported in the literature. This variant is reported in 0.0029% of alleles in individuals of Latino descent in gnomAD. At this time, the clinical significance of this variant is uncertain due to the absence of conclusive functional and genetic evidence.

Ambry Genetics
Classification: Uncertain significance for Inborn genetic diseases. Last evaluated: 2024-09-27. Review status: criteria provided, single submitter. Criteria: Ambry Variant Classification Scheme 2023. Collection method: clinical testing. Allele origin: germline.